The following is an entry in ClinVar:

ClinVar aggregate classification (germline): Uncertain significance (1 of 4 stars; one submission).

Conditions:
DPM3-congenital disorder of glycosylation (MDDGC15). Also called: MUSCULAR DYSTROPHY-DYSTROGLYCANOPATHY (LIMB-GIRDLE), TYPE C, 15; DPM3-CDG; CDG Io; CDG1(DPM3). Identifiers: Orphanet 263494, MedGen C2752007, MONDO:0013049, OMIM 612937.

Submission:

Labcorp Genetics (formerly Invitae), Labcorp
Classification: Uncertain significance for DPM3-congenital disorder of glycosylation. Last evaluated: 2021-08-11. Review status: criteria provided, single submitter. Criteria: Invitae Variant Classification Sherloc (09022015). Collection method: clinical testing. Allele origin: germline.
Comment: A copy number gain of the genomic region encompassing the full coding sequence of the DPM3 gene has been identified. The boundaries of this event are unknown as they extend beyond the assayed region for this gene and therefore may encompass additional genes. As the precise location of this event is unknown, it may be in tandem or it may be located elsewhere in the genome. This variant has not been reported in the literature in individuals affected with DPM3-related conditions. In summary, the available evidence is currently insufficient to determine the role of this variant in disease. Therefore, it has been classified as a Variant of Uncertain Significance.

NC_000001.10:g.(?_155112438)_(155112716_?)dup

Gene: DPM3 (dolichyl-phosphate mannosyltransferase subunit 3, regulatory; minus strand). Cytogenetic location: 1q22.
Variant type: Duplication.
Identifiers: ClinVar variation 1412853 (VCV001412853.5).